The following is an entry in ClinVar:

NM_001103.4(ACTN2):c.1441G>C (p.Asp481His)

Gene: ACTN2 (actinin alpha 2; plus strand). Cytogenetic location: 1q43.
Variant type: single nucleotide variant.
Coding change: c.1441G>C on transcript NM_001103.4 (MANE Select); coding-DNA position 1441, G replaced by C.
Protein change: p.Asp481His; replaces aspartic acid 481 with histidine.
Molecular consequence: missense variant. On other transcripts: non-coding transcript variant (1).
Genome position (GRCh38, 1-based): chr1:236,747,701, G>C. VCF-style: chr1-236747701-G-C. GRCh37 (hg19) VCF-style: chr1-236911001-G-C.
Other names: c.1441G>C, p.Asp481His (NM_001278343.2); short protein forms D481H.
Identifiers: ClinVar variation 4221954 (VCV004221954.1).
Genomic context (GRCh38, chr1:236,747,701, plus strand): 5'-TCTTTATTTATTTTCACTTTTAATAGTGAACTGGACTATCACGACGCTGTGAATGTCAAT[G>C]ATCGGTGCCAGAAAATTTGTGACCAGTGGGACCGACTGGGAACGCTTACTCAGAAGAGGA-3'
Protein context (NP_001094.1, residues 471-491): LDYHDAVNVN[Asp481His]RCQKICDQWD

ClinVar aggregate classification (germline): Uncertain significance (1 of 4 stars; one submission).

Conditions:
Cardiovascular phenotype. Identifiers: MedGen CN230736.

Submission:

Ambry Genetics
Classification: Uncertain significance for Cardiovascular phenotype. Last evaluated: 2025-07-30. Review status: criteria provided, single submitter. Criteria: Ambry Variant Classification Scheme 2023. Collection method: clinical testing. Allele origin: germline.
Comment: The p.D481H variant (also known as c.1441G>C), located in coding exon 13 of the ACTN2 gene, results from a G to C substitution at nucleotide position 1441. The aspartic acid at codon 481 is replaced by histidine, an amino acid with similar properties. This amino acid position is conserved. In addition, this alteration is predicted to be tolerated by in silico analysis. Based on the available evidence, the clinical significance of this variant remains unclear.